The following is an entry in ClinVar:

ClinVar aggregate classification (germline): Pathogenic/Likely pathogenic. Review status: criteria provided, multiple submitters, no conflicts (2 of 4 stars). 12 submissions from 12 submitters: Pathogenic (10); Likely pathogenic (1). 1 of the submissions does not count toward it. Last evaluated 2025-12-16.

Conditions:
PTS-related disorder. Also called: PTS-related condition.
6-Pyruvoyl-tetrahydrobiopterin synthase deficiency. Also called: 6-Pyruvoyltetrahydropterin Synthase Deficiency; HYPERPHENYLALANINEMIA, TETRAHYDROBIOPTERIN-DEFICIENT, DUE TO PTS DEFICIENCY; Hyperphenylalanemia, BH4-deficient, A; Hyperphenylalaninemia due to 6-pyruvoyl-tetrahydropterin synthase deficiency; BH4-deficient hyperphenylalaninemia A; PTS-Related Tetrahydrobiopterin Deficiency. Identifiers: Orphanet 13, Orphanet 238583, MedGen C0878676, MONDO:0009863, OMIM 261640.

Allele frequency attached by ClinVar (database versions not stated): gnomAD exomes 0.00004 and 0.00012; TOPMed 0.00005; ExAC 0.00008; gnomAD 0.00009 and 0.00010.
gnomAD v4.1: 70 of 1,608,766 alleles (0.0044%); highest among the groups gnomAD compares: East Asian, 0.0067%; no homozygotes.

Submissions (12):

Natera, Inc.
Classification: Pathogenic for 6-Pyruvoyl-tetrahydrobiopterin synthase deficiency. Last evaluated: 2025-12-16. Review status: criteria provided, single submitter. Criteria: Natera Variant Classification Schema (03/2026). Collection method: clinical testing. Allele origin: germline.
Comment: The c.317C>T variant in PTS is a missense variant predicted to cause substitution of threonine to methionine at amino acid 106. This variant is rare in the general population with a frequency below the threshold expected for the associated phenotype(s). This variant has been observed in one or more individuals affected with the associated recessive disease, as either homozygous or compound heterozygous with a second variant (PMID: 36212127, 32651154, 9450907). Given the available evidence, this variant is classified as Pathogenic.

Labcorp Genetics (formerly Invitae), Labcorp
Classification: Pathogenic for 6-Pyruvoyl-tetrahydrobiopterin synthase deficiency. Last evaluated: 2025-12-06. Review status: criteria provided, single submitter. Criteria: Invitae Variant Classification Sherloc (09022015). Collection method: clinical testing. Allele origin: germline.
Comment: This sequence change replaces threonine, which is neutral and polar, with methionine, which is neutral and non-polar, at codon 106 of the PTS protein (p.Thr106Met). This variant is present in population databases (rs200712908, gnomAD 0.06%). This missense change has been observed in individual(s) with hyperphenylalaninemia (PMID: 11694255, 23138986, 27246466). ClinVar contains an entry for this variant (Variation ID: 552175). An algorithm developed to predict the effect of missense changes on protein structure and function (PolyPhen-2) suggests that this variant is likely to be disruptive. For these reasons, this variant has been classified as Pathogenic.

Genesolutions, Medical Genetics Institutes, Ho Chi Minh City, Vietnam
Classification: Pathogenic for 6-Pyruvoyl-tetrahydrobiopterin synthase deficiency. Last evaluated: 2025-09-24. Review status: criteria provided, single submitter. Criteria: ACMG Guidelines, 2015. Collection method: clinical testing. Allele origin: germline. Affected: yes.

GeneDx
Classification: Pathogenic. Last evaluated: 2025-03-04. Review status: criteria provided, single submitter. Criteria: GeneDx Variant Classification Process June 2021. Collection method: clinical testing. Allele origin: germline. Affected: yes.
Comment: In silico analysis supports that this missense variant has a deleterious effect on protein structure/function; This variant is associated with the following publications: (PMID: 9450907, 9222755, 16364672, 30275481, 34426522, 34674428, 11694255, 22237589, 17101845, 11438997, 27246466, 30001213, 25304915, 35193651, 38105685, 36787440, 36646061, 36833190, 36583021, 35952926, 38311548, 39835220, 39543701, 20059486, 33822819, 33234470, 32651154, 23138986, 36382472, 36537053, 37636258, 36212127)

Victorian Clinical Genetics Services, Murdoch Childrens Research Institute
Classification: Pathogenic for 6-Pyruvoyl-tetrahydrobiopterin synthase deficiency. Last evaluated: 2024-10-11. Review status: criteria provided, single submitter. Criteria: ACMG Guidelines, 2015. Collection method: clinical testing. Allele origin: germline. Inheritance: Autosomal recessive inheritance.
Comment: Based on the classification scheme VCGS_Germline_v1.3.5, this variant is classified as Pathogenic. Following criteria are met: 0102 - Loss of function is a known mechanism of disease in this gene and is associated with hyperphenylalaninemia, BH4-deficient, A, (MIM#261640). (I) 0106 - This gene is associated with autosomal recessive disease. (I) 0200 - Variant is predicted to result in a missense amino acid change from threonine to methionine. (I) 0251 - This variant is heterozygous. (I) 0304 - Variant is present in gnomAD (v4) <0.01 for a recessive condition (70 heterozygote, 0 homozygotes). (SP) 0501 - Missense variant consistently predicted to be damaging by multiple in silico tools or highly conserved with a major amino acid change. (SP) 0600 - Variant is located in the annotated 6-pyruvoyl tetrahydropterin synthase domain (DECIPHER). (I) 0801 - This variant has strong previous evidence of pathogenicity in unrelated individuals. This variant has been classified as pathogenic by multiple clinical laboratories in ClinVar and has been observed as homozygous and compound heterozygous in individuals with BH4 deficiency or hyperphenylalaninemia (PMIDs: 32651154, 27246466, 23138986). (SP) Legend: (SP) - Supporting pathogenic, (I) - Information, (SB) - Supporting benign

Blueprint Genetics
Classification: Pathogenic for PTS-related disorders. Last evaluated: 2024-07-22. Review status: criteria provided, single submitter. Criteria: ACMG Guidelines, 2015. Collection method: clinical testing. Allele origin: germline. Affected: yes. Observed: 3 variant alleles.

Fulgent Genetics
Classification: Pathogenic for 6-Pyruvoyl-tetrahydrobiopterin synthase deficiency. Last evaluated: 2024-02-24. Review status: criteria provided, single submitter. Criteria: ACMG Guidelines, 2015. Collection method: clinical testing. Allele origin: germline.

Genome-Nilou Lab
Classification: Pathogenic for 6-Pyruvoyl-tetrahydrobiopterin synthase deficiency. Last evaluated: 2021-09-05. Review status: criteria provided, single submitter. Criteria: ACMG Guidelines, 2015. Collection method: clinical testing. Allele origin: germline. Affected: no.

CeGaT Center for Human Genetics Tuebingen
Classification: Pathogenic. Last evaluated: 2017-08-01. Review status: criteria provided, single submitter. Criteria: CeGaT Center For Human Genetics Tuebingen Variant Classification Criteria Version 2. Collection method: clinical testing. Allele origin: germline. Affected: yes. Observed: 1 variant allele.

Juno Genomics, Hangzhou Juno Genomics, Inc
Classification: Pathogenic for 6-Pyruvoyl-tetrahydrobiopterin synthase deficiency. Review status: criteria provided, single submitter. Criteria: ACMG Guidelines, 2015. Collection method: clinical testing. Allele origin: germline. Affected: yes.
Comment: Absent from controls (or at extremely low frequency if recessive) in Genome Aggregation Database, Exome Sequencing Project, 1000 Genomes Project, or Exome Aggregation Consortium.;Multiple lines of computational evidence support a deleterious effect on the gene or gene product (conservation, evolutionary, splicing impact, etc).;For recessive disorders, detected in trans with a pathogenic variant.;Patient's phenotype or family history is highly specific for a disease with a single genetic etiology.

Kariminejad - Najmabadi Pathology & Genetics Center
Classification: Likely pathogenic for 6-Pyruvoyl-tetrahydrobiopterin synthase deficiency. Review status: criteria provided, single submitter. Criteria: ACMG Guidelines, 2015. Collection method: clinical testing. Allele origin: germline. Affected: no.

Counsyl
Classification: Likely pathogenic for 6-Pyruvoyl-tetrahydrobiopterin synthase deficiency. Last evaluated: 2017-05-24. Review status: no assertion criteria provided. Collection method: clinical testing. Allele origin: unknown. Not counted in ClinVar's aggregate classification.

Literature cited by the submitters: PubMed 36212127 (cited by Natera, Inc.); PubMed 32651154 (cited by Natera, Inc. and Victorian Clinical Genetics Services, Murdoch Childrens Research Institute); PubMed 9450907 (cited by Natera, Inc. and Counsyl); PubMed 11694255 (cited by Labcorp Genetics (formerly Invitae), Labcorp); PubMed 23138986 (cited by 3 submitters); PubMed 27246466 (cited by Labcorp Genetics (formerly Invitae), Labcorp and Victorian Clinical Genetics Services, Murdoch Childrens Research Institute); PubMed 20059486 (cited by Counsyl).

NM_000317.3(PTS):c.317C>T (p.Thr106Met)

Gene: PTS (6-pyruvoyltetrahydropterin synthase; plus strand). Cytogenetic location: 11q23.1.
Variant type: single nucleotide variant.
Coding change: c.317C>T on transcript NM_000317.3 (MANE Select); coding-DNA position 317, C replaced by T.
Protein change: p.Thr106Met; replaces threonine 106 with methionine.
Molecular consequence: missense variant.
Genome position (GRCh38, 1-based): chr11:112,233,434, C>T. VCF-style: chr11-112233434-C-T. GRCh37 (hg19) VCF-style: chr11-112104157-C-T.
Other names: short protein forms T106M.
Identifiers: ClinVar variation 552175 (VCV000552175.66), dbSNP rs200712908, ClinGen allele CA6278584.